The following is an entry in ClinVar:

NM_018163.3(DNAJC17):c.793-27_793-11del

Gene: DNAJC17 (DnaJ heat shock protein family (Hsp40) member C17; minus strand). Cytogenetic location: 15q15.1.
Variant type: Deletion.
Coding change: c.793-27_793-11del on transcript NM_018163.3 (MANE Select); 27 bases into the intron before coding-DNA position 793 through 11 bases into the intron before coding-DNA position 793, 17 bases deleted (CCTCCCTGTCCCTGCCC).
Molecular consequence: intron variant.
Genome position (GRCh38, 1-based): chr15:40,768,073-40,768,089, GGGCAGGGACAGGGAGG deleted on the plus strand (CCTCCCTGTCCCTGCCC on the coding strand, the reverse complement: DNAJC17 is on the minus strand); deleting any 17 consecutive bases within chr15:40,768,073-40,768,091 gives the same sequence; the c. name uses the placement nearest the transcript's 3' end. VCF-style (leftmost placement, unchanged base first): chr15-40768072-AGGGCAGGGACAGGGAGG-A. GRCh37 (hg19) VCF-style: chr15-41060270-AGGGCAGGGACAGGGAGG-A.
Identifiers: ClinVar variation 2114982 (VCV002114982.4), dbSNP rs2504646272, ClinGen allele CA2580089374.
Genomic context (GRCh38, chr15:40,768,072, plus strand): 5'-CATGCGCATCATGACGAGGCTCTCGTAGTCCCTCTCTGACAGCACTGAGCCCTGTCGGAC[AGGGCAGGGACAGGGAGG>A]GGTCAGGGACAGCAGGGCACAGCCTCACAGACTCCGAGTACGGTGCCGAGGCAGTGCTGC-3'

ClinVar aggregate classification (germline): Uncertain significance (1 of 4 stars; one submission).

Submission:

Labcorp Genetics (formerly Invitae), Labcorp
Classification: Uncertain significance. Last evaluated: 2022-10-17. Review status: criteria provided, single submitter. Criteria: Invitae Variant Classification Sherloc (09022015). Collection method: clinical testing. Allele origin: germline.
Comment: In summary, the available evidence is currently insufficient to determine the role of this variant in disease. Therefore, it has been classified as a Variant of Uncertain Significance. Algorithms developed to predict the effect of sequence changes on RNA splicing suggest that this variant may disrupt the consensus splice site. This variant has not been reported in the literature in individuals affected with DNAJC17-related conditions. This variant is not present in population databases (gnomAD no frequency). This sequence change falls in intron 10 of the DNAJC17 gene. It does not directly change the encoded amino acid sequence of the DNAJC17 protein.